The following is an entry in ClinVar:

NM_001292034.3(TAB2):c.441del (p.Ala148fs)

Gene: TAB2 (TGF-beta activated kinase 1 (MAP3K7) binding protein 2; plus strand). Cytogenetic location: 6q25.1.
Variant type: Deletion.
Coding change: c.441del on transcript NM_001292034.3 (MANE Select); coding-DNA position 441, one base deleted (T; older notation c.441delT).
Protein change: p.Ala148fs; shifts the reading frame from alanine 148.
Molecular consequence: frameshift variant.
Genome position (GRCh38, 1-based): chr6:149,378,356, T deleted. VCF-style (leftmost placement, unchanged base first): chr6-149378355-GT-G. GRCh37 (hg19) VCF-style: chr6-149699491-GT-G.
Other names: c.345del, p.Ala116fs (NM_001292035.3); c.441del, p.Ala148fs (NM_001369506.1, NM_015093.6); short protein forms A116fs, A148fs.
Identifiers: ClinVar variation 695114 (VCV000695114.3), dbSNP rs1583139711, ClinGen allele CA915944443.

ClinVar aggregate classification (germline): Uncertain significance (0 of 4 stars; one submission).

Conditions:
Congenital heart defects, multiple types, 2 (CHTD2). Also called: Congenital heart defects, nonsyndromic, 2. Identifiers: Orphanet 664401, MedGen C3554279, MONDO:0014000, OMIM 614980.

Submission:

Quironsalud Teknon Heart Institute, Quironsalud Teknon Hospital
Classification: Uncertain significance for Congenital heart defects, multiple types, 2. Last evaluated: 2016-07-01. Review status: no assertion criteria provided. Collection method: research. Allele origin: germline. Inheritance: Autosomal dominant inheritance. Affected: yes. Observed: 1 heterozygote.
Comment: The variant identified here is a heterozygous deletion of a single nucleotide (NC_000006.11:g.149699492delT, NM_015093.4:c.441delT) resulting in a frameshift mutation, followed by the generation of a premature amber stop codon a further 12 residues downstream (HGVS p.Gly147GlyfsTer12, CCDS5214) in TAB2. The resulting truncated protein would be only 158 residues in length, and most likely targeted for nonsense mediated decay. This suggests that it is highly likely that affected individuals will only have one functioning copy of this gene. TAB2 has been implicated in congenital heart defects previously, and here our patients have congenital myxomatous degenerative heart valve disease, in addition to mild dysmorphic fascial anomalies and short stature.